The following is an entry in ClinVar:

NM_022437.3(ABCG8):c.1029G>A (p.Gln343=)

Gene: ABCG8 (ATP binding cassette subfamily G member 8; plus strand). Cytogenetic location: 2p21.
Variant type: single nucleotide variant.
Coding change: c.1029G>A on transcript NM_022437.3 (MANE Select); coding-DNA position 1029, G replaced by A.
Protein change: p.Gln343=; no amino-acid change (glutamine 343 retained).
Molecular consequence: synonymous variant.
Genome position (GRCh38, 1-based): chr2:43,872,040, G>A. VCF-style: chr2-43872040-G-A. GRCh37 (hg19) VCF-style: chr2-44099179-G-A.
Other names: c.1029G>A, p.Gln343= (NM_001357321.2).
Identifiers: ClinVar variation 4987503 (VCV004987503.1).

ClinVar aggregate classification (germline): Likely benign (1 of 4 stars; one submission).

Conditions:
ABCG8-related disorder. Also called: ABCG8-related condition.

gnomAD v4.1: 15 of 1,613,996 alleles (0.00093%); highest among the groups gnomAD compares: Admixed American, 0.012%; no homozygotes.

Submission:

PreventionGenetics, part of Exact Sciences
Classification: Likely benign for ABCG8-related condition. Last evaluated: 2025-12-30. Review status: criteria provided, single submitter. Criteria: ACMG Guidelines, 2015. Collection method: clinical testing. Allele origin: germline.
Comment: This variant is classified as likely benign based on ACMG/AMP sequence variant interpretation guidelines (Richards et al. 2015 PMID: 25741868, with internal and published modifications).